The following is an entry in ClinVar:

ClinVar aggregate classification (germline): Uncertain significance (1 of 4 stars; one submission).

Allele frequency attached by ClinVar (database versions not stated): gnomAD exomes below 0.00001.
gnomAD v4.1: 2 of 1,613,952 alleles (0.00012%); highest among the groups gnomAD compares: Non-Finnish European, 0.00017%; no homozygotes.

Submission:

GeneDx
Classification: Uncertain significance. Last evaluated: 2022-04-15. Review status: criteria provided, single submitter. Criteria: GeneDx Variant Classification Process June 2021. Collection method: clinical testing. Allele origin: germline. Affected: yes.
Comment: Not observed at significant frequency in large population cohorts (gnomAD); In silico analysis supports that this missense variant has a deleterious effect on protein structure/function; Has not been previously published as pathogenic or benign to our knowledge

NM_002474.3(MYH11):c.713A>G (p.Asn238Ser)

Gene: MYH11 (myosin heavy chain 11; minus strand). Cytogenetic location: 16p13.11.
Variant type: single nucleotide variant.
Coding change: c.713A>G on transcript NM_002474.3 (MANE Select); coding-DNA position 713, A replaced by G.
Protein change: p.Asn238Ser; replaces asparagine 238 with serine.
Molecular consequence: missense variant.
Genome position (GRCh38, 1-based): chr16:15,782,398, T>C on the plus strand (A>G on the coding strand, the complement: MYH11 is on the minus strand). VCF-style: chr16-15782398-T-C. GRCh37 (hg19) VCF-style: chr16-15876255-T-C.
Other names: c.734A>G, p.Asn245Ser (NM_001040113.2, NM_001040114.2); c.713A>G, p.Asn238Ser (NM_022844.3); short protein forms N238S, N245S.
Identifiers: ClinVar variation 1711953 (VCV001711953.2), dbSNP rs2506612274, ClinGen allele CA394870744.